The following continues an entry in ClinVar:

NM_206933.4(USH2A):c.8682-9A>G

Gene: USH2A. ClinVar aggregate classification (germline): Pathogenic. Pathogenic (1).

Submissions 13 to 17 of 17:

GeneDx
Classification: Likely pathogenic. Last evaluated: 2019-04-08. Review status: criteria provided, single submitter. Criteria: GeneDx Variant Classification Process June 2021. Collection method: clinical testing. Allele origin: germline. Affected: yes. Not counted in ClinVar's aggregate classification.
Comment: In-silico analysis, which includes splice predictors and evolutionary conservation, is inconclusive as to whether the variant alters gene splicing. In the absence of RNA/functional studies, the actual effect of this sequence change is unknown.; This variant is associated with the following publications: (PMID: 23591405, 18273898, 25425308, 27318125, 30358468, 28944237, 31980526, 33576794)

Eurofins Ntd Llc (ga)
Classification: Likely pathogenic. Last evaluated: 2015-05-07. Review status: criteria provided, single submitter. Criteria: EGL Classification Definitions 2015. Collection method: clinical testing. Allele origin: germline. Observed: 1 variant allele, 1 heterozygote. Not counted in ClinVar's aggregate classification.

Juno Genomics, Hangzhou Juno Genomics, Inc
Classification: Pathogenic for Retinitis pigmentosa 39; Usher syndrome type 2A. Review status: criteria provided, single submitter. Criteria: ACMG Guidelines, 2015. Collection method: clinical testing. Allele origin: germline. Not counted in ClinVar's aggregate classification.
Comment: Multiple lines of computational evidence support a deleterious effect on the gene or gene product.;For recessive disorders, detected in trans with a pathogenic variant.;Patient's phenotype or family history is highly specific for a disease with a single genetic etiology.

PreventionGenetics, part of Exact Sciences
Classification: Pathogenic for USH2A-related condition. Last evaluated: 2024-06-21. Review status: no assertion criteria provided. Collection method: clinical testing. Allele origin: germline. Not counted in ClinVar's aggregate classification.
Comment: The USH2A c.8682-9A>G variant is predicted to interfere with splicing. This variant has been reported as pathogenic for autosomal recessive Usher syndrome (Table S5, Glöckle et al. 2014. PubMed ID: 23591405; Zein et al. 2014. PubMed ID: 25425308; Colombo et al. 2021. PubMed ID: 34781295). This variant is reported in 0.048% of alleles in individuals of Ashkenazi Jewish descent in gnomAD. This variant has been interpreted as pathogenic by the ClinGen Hearing Loss Variant Curation Expert Panel. This variant is interpreted as pathogenic.

Counsyl
Classification: Likely pathogenic for Retinitis pigmentosa 39. Last evaluated: 2017-04-04. Review status: no assertion criteria provided. Collection method: clinical testing. Allele origin: unknown. Not counted in ClinVar's aggregate classification.

Literature cited by the submitters: PubMed 28944237 (cited by 5 submitters); PubMed 25425308 (cited by 8 submitters); PubMed 23591405 (cited by 9 submitters); PubMed 27318125 (cited by 6 submitters); PubMed 18273898 (cited by 5 submitters); PubMed 28894305 (cited by Labcorp Genetics (formerly Invitae), Labcorp); PubMed 33576794 (cited by Natera, Inc. and Institute of Human Genetics, Univ. Regensburg, Univ. Regensburg); PubMed 30311386 (cited by Institute of Human Genetics, Univ. Regensburg, Univ. Regensburg); PubMed 31964843 (cited by Institute of Human Genetics, Univ. Regensburg, Univ. Regensburg); PubMed 31980526 (cited by Institute of Human Genetics, Univ. Regensburg, Univ. Regensburg); PubMed 32531858 (cited by Institute of Human Genetics, Univ. Regensburg, Univ. Regensburg); PubMed 32037395 (cited by Institute of Human Genetics, Univ. Regensburg, Univ. Regensburg); PubMed 34426522 (cited by Institute of Human Genetics, Univ. Regensburg, Univ. Regensburg); PubMed 34781295 (cited by Institute of Human Genetics, Univ. Regensburg, Univ. Regensburg); PubMed 35266249 (cited by Institute of Human Genetics, Univ. Regensburg, Univ. Regensburg); PubMed 35836572 (cited by Institute of Human Genetics, Univ. Regensburg, Univ. Regensburg); PubMed 34906470 (cited by Broad Center for Mendelian Genomics, Broad Institute of MIT and Harvard).